The following is an entry in ClinVar:

ClinVar aggregate classification (germline): Likely benign (1 of 4 stars; one submission).

gnomAD v4.1: 4,940 of 1,613,052 alleles (0.31%); highest among the groups gnomAD compares: Middle Eastern, 1.1%; 11 homozygotes.

Submissions (3):

CeGaT Center for Human Genetics Tuebingen
Classification: Likely benign. Last evaluated: 2026-06-01. Review status: criteria provided, single submitter. Criteria: CeGaT Center For Human Genetics Tuebingen Variant Classification Criteria Version 2. Collection method: clinical testing. Allele origin: germline. Affected: yes. Observed: 1 variant allele.
Comment: SLC5A10: BP4, BS2

Dr. Peter K. Rogan Lab, Western University
No classification provided (evidence only). Condition: Lung cancer. Review status: no classification provided. Collection method: in vitro. Allele origin: not applicable. Functional consequence: retained intron. Not counted in ClinVar's aggregate classification.

Dr. Peter K. Rogan Lab, Western University
No classification provided (evidence only). Condition: Cervical cancer. Review status: no classification provided. Collection method: in vitro. Allele origin: not applicable. Functional consequence: retained intron. Not counted in ClinVar's aggregate classification.

NM_001042450.4(SLC5A10):c.287A>T (p.Asn96Ile)

Gene: SLC5A10 (solute carrier family 5 member 10; plus strand). Cytogenetic location: 17p11.2.
Variant type: single nucleotide variant.
Coding change: c.287A>T on transcript NM_001042450.4 (MANE Select); coding-DNA position 287, A replaced by T.
Protein change: p.Asn96Ile; replaces asparagine 96 with isoleucine.
Molecular consequence: missense variant.
Genome position (GRCh38, 1-based): chr17:18,959,238, A>T. VCF-style: chr17-18959238-A-T. GRCh37 (hg19) VCF-style: chr17-18862551-A-T.
Other names: NC_000017.10:g.18862551A>T; c.287A>T, p.Asn96Ile (NM_001270648.3, NM_001270649.2, NM_152351.6); c.119A>T, p.Asn40Ile (NM_001282417.1); short protein forms N40I, N96I.
Identifiers: ClinVar variation 4418477 (VCV004418477.3).